The following is an entry in ClinVar:

NM_001376.5(DYNC1H1):c.8622C>G (p.Ser2874Arg)

Gene: DYNC1H1 (dynein cytoplasmic 1 heavy chain 1; plus strand). Cytogenetic location: 14q32.31.
Variant type: single nucleotide variant.
Coding change: c.8622C>G on transcript NM_001376.5 (MANE Select); coding-DNA position 8622, C replaced by G.
Protein change: p.Ser2874Arg; replaces serine 2874 with arginine.
Molecular consequence: missense variant.
Genome position (GRCh38, 1-based): chr14:102,022,865, C>G. VCF-style: chr14-102022865-C-G. GRCh37 (hg19) VCF-style: chr14-102489202-C-G.
Other names: p.Ser2874Arg; short protein forms S2874R.
Identifiers: ClinVar variation 4541905 (VCV004541905.1).
Genomic context (GRCh38, chr14:102,022,865, plus strand): 5'-TCTGAAGCACTTCCCTAACATCGACAGAGAGAAGGCAATGAGCCGACCCATCTTGTACAG[C>G]AACTGGCTGTCAAAGGTAGCAAACTCGCATCATTTCAGACATACTTCTTTTTCTGCCATC-3'
Protein context (NP_001367.2, residues 2864-2884): EKAMSRPILY[Ser2874Arg]NWLSKDYIPV

ClinVar aggregate classification (germline): Uncertain significance (1 of 4 stars; one submission).

Submission:

Mayo Clinic Laboratories, Mayo Clinic
Classification: Uncertain significance. Last evaluated: 2025-07-24. Review status: criteria provided, single submitter. Criteria: ACMG Guidelines, 2015. Collection method: clinical testing. Allele origin: germline. Observed: 1 variant allele.
Comment: BP5